The following is an entry in ClinVar:

ClinVar aggregate classification (germline): Uncertain significance (1 of 4 stars; one submission).

Submission:

Ambry Genetics
Classification: Uncertain significance. Last evaluated: 2022-10-11. Review status: criteria provided, single submitter. Criteria: Ambry Variant Classification Scheme 2023. Collection method: clinical testing. Allele origin: germline.
Comment: The p.D1594G variant (also known as c.4781A>G), located in coding exon 42 of the KIF1B gene, results from an A to G substitution at nucleotide position 4781. The aspartic acid at codon 1594 is replaced by glycine, an amino acid with similar properties. This amino acid position is conserved. In addition, this alteration is predicted to be tolerated by in silico analysis. Since supporting evidence is limited at this time, the clinical significance of this alteration remains unclear.

NM_001365951.3(KIF1B):c.4919A>G (p.Asp1640Gly)

Gene: KIF1B (kinesin family member 1B; plus strand). Cytogenetic location: 1p36.22.
Variant type: single nucleotide variant.
Coding change: c.4919A>G on transcript NM_001365951.3 (MANE Select); coding-DNA position 4919, A replaced by G.
Protein change: p.Asp1640Gly; replaces aspartic acid 1640 with glycine.
Molecular consequence: missense variant.
Genome position (GRCh38, 1-based): chr1:10,371,235, A>G. VCF-style: chr1-10371235-A-G. GRCh37 (hg19) VCF-style: chr1-10431293-A-G.
Other names: c.4919A>G, p.Asp1640Gly (NM_001365952.1); c.4781A>G, p.Asp1594Gly (NM_015074.3); short protein forms D1640G, D1594G.
Identifiers: ClinVar variation 1743051 (VCV001743051.2), dbSNP rs2521952342, ClinGen allele CA338327811.